The following is an entry in ClinVar:

ClinVar aggregate classification (germline): Uncertain significance. Review status: criteria provided, multiple submitters, no conflicts (2 of 4 stars). 2 submissions from 2 submitters: Uncertain significance (2). Last evaluated 2025-05-03.

Conditions:
Hereditary cancer-predisposing syndrome. Also called: Hereditary Cancer Syndrome; Tumor predisposition; Neoplastic Syndromes, Hereditary; Hereditary neoplastic syndrome. Identifiers: Orphanet 140162, MedGen C0027672, MeSH D009386, MONDO:0015356.
Oligodontia-cancer predisposition syndrome. Also called: TOOTH AGENESIS-COLORECTAL CANCER SYNDROME. Identifiers: Orphanet 300576, MedGen C1837750, MONDO:0012075, OMIM 608615. Disease mechanism: loss of function.

Submissions (2):

Labcorp Genetics (formerly Invitae), Labcorp
Classification: Uncertain significance for Oligodontia-cancer predisposition syndrome. Last evaluated: 2025-05-03. Review status: criteria provided, single submitter. Criteria: Invitae Variant Classification Sherloc (09022015). Collection method: clinical testing. Allele origin: germline.
Comment: This sequence change replaces leucine, which is neutral and non-polar, with isoleucine, which is neutral and non-polar, at codon 10 of the AXIN2 protein (p.Leu10Ile). This variant is not present in population databases (gnomAD no frequency). This variant has not been reported in the literature in individuals affected with AXIN2-related conditions. ClinVar contains an entry for this variant (Variation ID: 863488). An algorithm developed to predict the effect of missense changes on protein structure and function outputs the following: PolyPhen-2: "Benign". The isoleucine amino acid residue is found in multiple mammalian species, which suggests that this missense change does not adversely affect protein function. In summary, the available evidence is currently insufficient to determine the role of this variant in disease. Therefore, it has been classified as a Variant of Uncertain Significance.

Ambry Genetics
Classification: Uncertain significance for Hereditary cancer-predisposing syndrome. Last evaluated: 2024-01-22. Review status: criteria provided, single submitter. Criteria: Ambry Variant Classification Scheme 2023. Collection method: clinical testing. Allele origin: germline.
Comment: The p.L10I variant (also known as c.28C>A), located in coding exon 1 of the AXIN2 gene, results from a C to A substitution at nucleotide position 28. The leucine at codon 10 is replaced by isoleucine, an amino acid with highly similar properties. This amino acid position is well conserved in available vertebrate species. In addition, this alteration is predicted to be tolerated by in silico analysis. Based on the available evidence, the clinical significance of this alteration remains unclear.

NM_004655.4(AXIN2):c.28C>A (p.Leu10Ile)

Gene: AXIN2 (axin 2; minus strand). Cytogenetic location: 17q24.1.
Variant type: single nucleotide variant.
Coding change: c.28C>A on transcript NM_004655.4 (MANE Select); coding-DNA position 28, C replaced by A.
Protein change: p.Leu10Ile; replaces leucine 10 with isoleucine.
Molecular consequence: missense variant.
Genome position (GRCh38, 1-based): chr17:65,558,593, G>T on the plus strand (C>A on the coding strand, the complement: AXIN2 is on the minus strand). VCF-style: chr17-65558593-G-T. GRCh37 (hg19) VCF-style: chr17-63554711-G-T.
Other names: c.28C>A, p.Leu10Ile (NM_001363813.1); short protein forms L10I.
Identifiers: ClinVar variation 863488 (VCV000863488.12), dbSNP rs2044312459, ClinGen allele CA400682448.
Genomic context (GRCh38, chr17:65,558,593, plus strand): 5'-CTTCCCCTGGCACTGGGGGCCGCGGGGCATCCTCACGGAAGCTGCTGCTGGGGTCCGGGA[G>T]GCAAGTCACCAACATAGCGCTACTCATGGTGAGGGAGCTCTTCCCACTGAGTCTGGGAAT-3'
Protein context (NP_004646.3, residues 1-20): MSSAMLVTC[Leu10Ile]PDPSSSFRED